The following is an entry in ClinVar:

ClinVar aggregate classification (germline): Uncertain significance (1 of 4 stars; one submission).

Conditions:
Hereditary cancer-predisposing syndrome. Also called: Neoplastic Syndromes, Hereditary; Tumor predisposition; Hereditary Cancer Syndrome; Hereditary neoplastic syndrome. Identifiers: Orphanet 140162, MedGen C0027672, MeSH D009386, MONDO:0015356.

Submission:

Ambry Genetics
Classification: Uncertain significance for Hereditary cancer-predisposing syndrome. Last evaluated: 2026-02-20. Review status: criteria provided, single submitter. Criteria: Ambry Variant Classification Scheme 2023. Collection method: clinical testing. Allele origin: germline.
Comment: The p.R217I variant (also known as c.650G>T), located in coding exon 6 of the APC gene, results from a G to T substitution at nucleotide position 650. The arginine at codon 217 is replaced by isoleucine, an amino acid with similar properties. This amino acid position is conserved. In addition, in silico predictors for this gene do not accurately predict pathogenicity. Based on the available evidence, the clinical significance of this variant remains unclear.

NM_000038.6(APC):c.650G>T (p.Arg217Ile)

Gene: APC (APC regulator of Wnt signaling pathway; plus strand). Cytogenetic location: 5q22.2.
Variant type: single nucleotide variant.
Coding change: c.650G>T on transcript NM_000038.6 (MANE Select); coding-DNA position 650, G replaced by T.
Protein change: p.Arg217Ile; replaces arginine 217 with isoleucine.
Molecular consequence: missense variant. On other transcripts: 5 prime UTR variant (4), non-coding transcript variant (2), intron variant (5).
Genome position (GRCh38, 1-based): chr5:112,792,450, G>T. VCF-style: chr5-112792450-G-T. GRCh37 (hg19) VCF-style: chr5-112128147-G-T.
Other names: c.650G>T, p.Arg217Ile (NM_001127510.3, NM_001354895.2, NM_001354896.2 and 12 more transcripts); c.680G>T, p.Arg227Ile (NM_001354897.2, NM_001354902.2, NM_001407446.1); c.575G>T, p.Arg192Ile (NM_001354898.2, NM_001354904.2, NM_001407451.1); c.473G>T, p.Arg158Ile (NM_001354900.2, NM_001354901.2, NM_001354905.2 and 1 more transcripts); c.-386G>T (NM_001354906.2, NM_001407470.1, NM_001407471.1 and 1 more transcripts); c.646-8829G>T (NM_001407452.1, NM_001407469.1, NM_001354899.2 and 1 more transcripts); c.676-8829G>T (NM_001127511.3); short protein forms R158I, R192I, R217I, R227I.
Identifiers: ClinVar variation 4825057 (VCV004825057.1).